The following is an entry in ClinVar:

ClinVar aggregate classification (germline): Uncertain significance (1 of 4 stars; one submission).

Conditions:
Carnitine palmitoyltransferase II deficiency. Also called: Carnitine Palmitoyltransferase 2 Deficiency. Identifiers: Orphanet 157, MedGen C0342790, MONDO:0015515.

Allele frequency attached by ClinVar (database versions not stated): TOPMed 0.00001.
gnomAD v4.1: 1 of 1,613,998 alleles (0.000062%); highest among the groups gnomAD compares: African/African-American, 0.0013%; no homozygotes.

Submission:

Labcorp Genetics (formerly Invitae), Labcorp
Classification: Uncertain significance for Carnitine palmitoyltransferase II deficiency. Last evaluated: 2022-04-11. Review status: criteria provided, single submitter. Criteria: Invitae Variant Classification Sherloc (09022015). Collection method: clinical testing. Allele origin: germline.
Comment: In summary, the available evidence is currently insufficient to determine the role of this variant in disease. Therefore, it has been classified as a Variant of Uncertain Significance. Advanced modeling of protein sequence and biophysical properties (such as structural, functional, and spatial information, amino acid conservation, physicochemical variation, residue mobility, and thermodynamic stability) performed at Invitae indicates that this missense variant is expected to disrupt CPT2 protein function. This variant has not been reported in the literature in individuals affected with CPT2-related conditions. This variant is not present in population databases (gnomAD no frequency). This sequence change replaces glutamine, which is neutral and polar, with histidine, which is basic and polar, at codon 148 of the CPT2 protein (p.Gln148His).

NM_000098.3(CPT2):c.444G>C (p.Gln148His)

Gene: CPT2 (carnitine palmitoyltransferase 2; plus strand). Cytogenetic location: 1p32.3.
Variant type: single nucleotide variant.
Coding change: c.444G>C on transcript NM_000098.3 (MANE Select); coding-DNA position 444, G replaced by C.
Protein change: p.Gln148His; replaces glutamine 148 with histidine.
Molecular consequence: missense variant.
Genome position (GRCh38, 1-based): chr1:53,210,118, G>C. VCF-style: chr1-53210118-G-C. GRCh37 (hg19) VCF-style: chr1-53675790-G-C.
Other names: c.444G>C, p.Gln148His (NM_001330589.2); short protein forms Q148H.
Identifiers: ClinVar variation 2164440 (VCV002164440.4), dbSNP rs144686779, ClinGen allele CA340392173.